The following is an entry in ClinVar:

NM_001123385.2(BCOR):c.4353G>A (p.Pro1451=)

Gene: BCOR (BCL6 corepressor; minus strand). Cytogenetic location: Xp11.4.
Variant type: single nucleotide variant.
Coding change: c.4353G>A on transcript NM_001123385.2 (MANE Select); coding-DNA position 4353, G replaced by A.
Protein change: p.Pro1451=; no amino-acid change (proline 1451 retained).
Molecular consequence: synonymous variant.
Genome position (GRCh38, 1-based): chrX:40,062,214, C>T on the plus strand (G>A on the coding strand, the complement: BCOR is on the minus strand). VCF-style: chrX-40062214-C-T. GRCh37 (hg19) VCF-style: chrX-39921467-C-T.
Other names: c.4251G>A, p.Pro1417= (NM_001123383.2, NM_001438208.1, NM_017745.6); c.4197G>A, p.Pro1399= (NM_001123384.2); c.4353G>A, p.Pro1451= (NM_001437510.1, NM_001437511.1); c.4299G>A, p.Pro1433= (NM_001438207.1).
Identifiers: ClinVar variation 4534300 (VCV004534300.7).
Genomic context (GRCh38, chrX:40,062,214, plus strand): 5'-GGCTGCCCGCTGCAGAAGGGTCTCGCCAGCGTTCTTATTGACAATAAGTCTCCGTGCTTC[C>T]GGCGGCATAGGGCGAGACTGGGTGGTCTCCTGAGGGGAACTTGAGCATGGCAGCTGTGTG-3'
Protein context (NP_001116857.1, residues 1441-1461): QETTQSRPMP[Pro1451=]EARRLIVNKN

ClinVar aggregate classification (germline): Likely benign. Review status: criteria provided, multiple submitters, no conflicts (2 of 4 stars). 2 submissions from 2 submitters: Likely benign (2). Last evaluated 2025-11-01.

gnomAD v4.1: 16 of 1,209,947 alleles (0.0013%); highest among the groups gnomAD compares: East Asian, 0.012%; no homozygotes.

Submissions (2):

CeGaT Center for Human Genetics Tuebingen
Classification: Likely benign. Last evaluated: 2025-11-01. Review status: criteria provided, single submitter. Criteria: CeGaT Center For Human Genetics Tuebingen Variant Classification Criteria Version 2. Collection method: clinical testing. Allele origin: germline. Affected: yes. Observed: 1 variant allele.
Comment: BCOR: BP4, BP7, BS2

Blueprint Genetics
Classification: Likely benign. Last evaluated: 2022-08-01. Review status: criteria provided, single submitter. Criteria: ACMG Guidelines, 2015. Collection method: clinical testing. Allele origin: germline.